The following is an entry in ClinVar:

ClinVar aggregate classification (germline): Likely benign. Review status: criteria provided, single submitter (1 of 4 stars). 2 submissions from 2 submitters: Likely benign (1). 1 of the submissions does not count toward it. Last evaluated 2025-10-18.

Conditions:
ITCH-related disorder. Also called: ITCH-related condition.
Syndromic multisystem autoimmune disease due to ITCH deficiency. Also called: AUTOIMMUNE DISEASE, MULTISYSTEM, WITH FACIAL DYSMORPHISM. Identifiers: Orphanet 228426, MedGen C3150649, MONDO:0013245, OMIM 613385.

Allele frequency attached by ClinVar (database versions not stated): gnomAD 0.00001; ExAC 0.00002; gnomAD exomes 0.00002; TOPMed 0.00002; ESP Exome Variant Server 0.00008.
gnomAD v4.1: 30 of 1,614,058 alleles (0.0019%); highest among the groups gnomAD compares: Non-Finnish European, 0.0025%; no homozygotes.

Submissions (2):

Labcorp Genetics (formerly Invitae), Labcorp
Classification: Likely benign for Syndromic multisystem autoimmune disease due to ITCH deficiency. Last evaluated: 2025-10-18. Review status: criteria provided, single submitter. Criteria: Invitae Variant Classification Sherloc (09022015). Collection method: clinical testing. Allele origin: germline.

PreventionGenetics, part of Exact Sciences
Classification: Likely benign for ITCH-related condition. Last evaluated: 2022-12-19. Review status: no assertion criteria provided. Collection method: clinical testing. Allele origin: germline. Not counted in ClinVar's aggregate classification.
Comment: This variant is classified as likely benign based on ACMG/AMP sequence variant interpretation guidelines (Richards et al. 2015 PMID: 25741868, with internal and published modifications).

NM_031483.7(ITCH):c.1074A>G (p.Gln358=)

Gene: ITCH (itchy E3 ubiquitin protein ligase; plus strand). Cytogenetic location: 20q11.22.
Variant type: single nucleotide variant.
Coding change: c.1074A>G on transcript NM_031483.7 (MANE Select); coding-DNA position 1074, A replaced by G.
Protein change: p.Gln358=; no amino-acid change (glutamine 358 retained).
Molecular consequence: synonymous variant.
Genome position (GRCh38, 1-based): chr20:34,445,395, A>G. VCF-style: chr20-34445395-A-G. GRCh37 (hg19) VCF-style: chr20-33033200-A-G.
Other names: c.1197A>G, p.Gln399= (NM_001257137.3, NM_001324197.2); c.744A>G, p.Gln248= (NM_001257138.3); c.1074A>G, p.Gln358= (NM_001324198.2); c.1074A>G (NM_031483.6).
Identifiers: ClinVar variation 1145424 (VCV001145424.11), dbSNP rs371860516, ClinGen allele CA9821558.